The following is an entry in ClinVar:

ClinVar aggregate classification (germline): Uncertain significance (1 of 4 stars; one submission).

Submission:

Labcorp Genetics (formerly Invitae), Labcorp
Classification: Uncertain significance. Last evaluated: 2023-04-09. Review status: criteria provided, single submitter. Criteria: Invitae Variant Classification Sherloc (09022015). Collection method: clinical testing. Allele origin: germline.
Comment: In summary, the available evidence is currently insufficient to determine the role of this variant in disease. Therefore, it has been classified as a Variant of Uncertain Significance. Variants that disrupt the consensus splice site are a relatively common cause of aberrant splicing (PMID: 17576681, 9536098). Algorithms developed to predict the effect of sequence changes on RNA splicing suggest that this variant is not likely to affect RNA splicing. This variant has not been reported in the literature in individuals affected with MCM5-related conditions. This variant is not present in population databases (gnomAD no frequency). This sequence change falls in intron 6 of the MCM5 gene. It does not directly change the encoded amino acid sequence of the MCM5 protein. It affects a nucleotide within the consensus splice site.

Literature cited by the submitters: PubMed 17576681; PubMed 9536098.

NM_006739.4(MCM5):c.752+3G>A

Gene: MCM5 (minichromosome maintenance complex component 5; plus strand). Cytogenetic location: 22q12.3.
Variant type: single nucleotide variant.
Coding change: c.752+3G>A on transcript NM_006739.4 (MANE Select); 3 bases into the intron after coding-DNA position 752, G replaced by A.
Molecular consequence: intron variant.
Genome position (GRCh38, 1-based): chr22:35,408,566, G>A. VCF-style: chr22-35408566-G-A. GRCh37 (hg19) VCF-style: chr22-35804559-G-A.
Identifiers: ClinVar variation 2965166 (VCV002965166.3), dbSNP rs2517890177, ClinGen allele CA2740094828.